The following is an entry in ClinVar:

NM_018706.7(DHTKD1):c.2368C>T (p.Pro790Ser)

Gene: DHTKD1 (dehydrogenase E1 and transketolase domain containing 1; plus strand). Cytogenetic location: 10p14.
Variant type: single nucleotide variant.
Coding change: c.2368C>T on transcript NM_018706.7 (MANE Select); coding-DNA position 2368, C replaced by T.
Protein change: p.Pro790Ser; replaces proline 790 with serine.
Molecular consequence: missense variant.
Genome position (GRCh38, 1-based): chr10:12,117,721, C>T. VCF-style: chr10-12117721-C-T. GRCh37 (hg19) VCF-style: chr10-12159720-C-T.
Other names: short protein forms P790S.
Identifiers: ClinVar variation 4804862 (VCV004804862.1).

ClinVar aggregate classification (germline): Uncertain significance (1 of 4 stars; one submission).

Conditions:
2-aminoadipic 2-oxoadipic aciduria (AAKAD). Also called: Aminoadipic aciduria; ALPHA-AMINOADIPIC AND ALPHA-KETOADIPIC ACIDURIA. Identifiers: Orphanet 79154, MedGen C1859817, MONDO:0008774, OMIM 204750.

Submission:

Labcorp Genetics (formerly Invitae), Labcorp
Classification: Uncertain significance for 2-aminoadipic 2-oxoadipic aciduria. Last evaluated: 2025-11-24. Review status: criteria provided, single submitter. Criteria: Invitae Variant Classification Sherloc (09022015). Collection method: clinical testing. Allele origin: germline.
Comment: This sequence change replaces proline, which is neutral and non-polar, with serine, which is neutral and polar, at codon 790 of the DHTKD1 protein (p.Pro790Ser). This variant is present in population databases (rs201639053, gnomAD 0.007%). This variant has not been reported in the literature in individuals affected with DHTKD1-related conditions. Invitae Evidence Modeling of protein sequence and biophysical properties (such as structural, functional, and spatial information, amino acid conservation, physicochemical variation, residue mobility, and thermodynamic stability) indicates that this missense variant is not expected to disrupt DHTKD1 protein function with a negative predictive value of 80%. In summary, the available evidence is currently insufficient to determine the role of this variant in disease. Therefore, it has been classified as a Variant of Uncertain Significance.